The following is an entry in ClinVar:

NM_001367624.2(ZNF469):c.4C>A (p.Pro2Thr)

Gene: ZNF469 (zinc finger protein 469; plus strand). Cytogenetic location: 16q24.2.
Variant type: single nucleotide variant.
Coding change: c.4C>A on transcript NM_001367624.2 (MANE Select); coding-DNA position 4, C replaced by A.
Protein change: p.Pro2Thr; replaces proline 2 with threonine.
Molecular consequence: missense variant.
Genome position (GRCh38, 1-based): chr16:88,427,474, C>A. VCF-style: chr16-88427474-C-A. GRCh37 (hg19) VCF-style: chr16-88493882-C-A.
Other names: short protein forms P2T.
Identifiers: ClinVar variation 2746958 (VCV002746958.3), dbSNP rs1294746977, ClinGen allele CA397057135.

ClinVar aggregate classification (germline): Uncertain significance (1 of 4 stars; one submission).

Allele frequency attached by ClinVar (database versions not stated): gnomAD exomes below 0.00001.
gnomAD v4.1: 1 of 1,513,000 alleles (0.000066%); highest among the groups gnomAD compares: Non-Finnish European, 0.000088%; no homozygotes.

Submission:

Labcorp Genetics (formerly Invitae), Labcorp
Classification: Uncertain significance. Last evaluated: 2023-07-25. Review status: criteria provided, single submitter. Criteria: Invitae Variant Classification Sherloc (09022015). Collection method: clinical testing. Allele origin: germline.
Comment: An algorithm developed to predict the effect of missense changes on protein structure and function (PolyPhen-2) suggests that this variant is likely to be disruptive. In summary, the available evidence is currently insufficient to determine the role of this variant in disease. Therefore, it has been classified as a Variant of Uncertain Significance. This variant has not been reported in the literature in individuals affected with ZNF469-related conditions. This variant is not present in population databases (gnomAD no frequency). This sequence change replaces proline, which is neutral and non-polar, with threonine, which is neutral and polar, at codon 2 of the ZNF469 protein (p.Pro2Thr).